The following is an entry in ClinVar:

NM_006545.5(NPRL2):c.191T>C (p.Leu64Pro)

Gene: NPRL2 (NPR2 like, GATOR1 complex subunit; minus strand). Cytogenetic location: 3p21.31.
Variant type: single nucleotide variant.
Coding change: c.191T>C on transcript NM_006545.5 (MANE Select); coding-DNA position 191, T replaced by C.
Protein change: p.Leu64Pro; replaces leucine 64 with proline.
Molecular consequence: missense variant.
Genome position (GRCh38, 1-based): chr3:50,349,813, A>G on the plus strand (T>C on the coding strand, the complement: NPRL2 is on the minus strand). VCF-style: chr3-50349813-A-G. GRCh37 (hg19) VCF-style: chr3-50387244-A-G.
Other names: short protein forms L64P.
Identifiers: ClinVar variation 3372579 (VCV003372579.3).

ClinVar aggregate classification (germline): Uncertain significance. Review status: criteria provided, multiple submitters, no conflicts (2 of 4 stars). 3 submissions from 3 submitters: Uncertain significance (3). Last evaluated 2026-02-10.

Conditions:
Epilepsy, familial focal, with variable foci 2 (FFEVF2). Identifiers: MedGen C4310709, MONDO:0014924, OMIM 617116.

Submissions (3):

Victorian Clinical Genetics Services, Murdoch Childrens Research Institute
Classification: Uncertain significance for Epilepsy, familial focal, with variable foci 2. Last evaluated: 2026-02-10. Review status: criteria provided, single submitter. Criteria: ACMG Guidelines, 2015. Collection method: clinical testing. Allele origin: germline. Affected: yes.
Comment: This variant is classified as VUS-3B. Evidence in support of pathogenic classification: Variant is absent from gnomAD (v2, v3 and v4); Missense variant predicted to be damaging by in silico tool(s) or highly conserved with a major amino acid change. Additional information: Variant is predicted to result in a missense amino acid change from Leu to Pro; This variant is heterozygous; This gene is associated with autosomal dominant disease; Alternative amino acid change(s) at the same position are present in gnomAD (highest allele count: v4: 1 heterozygote(s), 0 homozygote(s)); Previous evidence of pathogenicity for this variant is inconclusive. It has been classified as VUS by clinical laboratories in ClinVar; No published evidence of segregation with disease has been identified for this variant; No published functional evidence has been identified for this variant; No comparable missense variants have previous evidence for pathogenicity; Variant is located in the annotated nitrogen permease regulator 2 domain (DECIPHER); Loss of function is a known mechanism of disease in this gene and is associated with epilepsy, familial focal, with variable foci 2 (MIM#617116); The condition associated with this gene has incomplete penetrance (OMIM; PMID: 27173016); Variants in this gene are known to have variable expressivity, including phenotypical intrafamilial variability (PMID: 27173016); Inheritance information for this variant is not currently available in this individual.

Women's Health and Genetics/Laboratory Corporation of America, LabCorp
Classification: Uncertain significance. Last evaluated: 2024-10-30. Review status: criteria provided, single submitter. Criteria: LabCorp Variant Classification Summary - May 2015. Collection method: clinical testing. Allele origin: germline.
Comment: Variant summary: NPRL2 c.191T>C (p.Leu64Pro) results in a non-conservative amino acid change in the encoded protein sequence. Four of five in-silico tools predict a damaging effect of the variant on protein function. The variant was absent in 250884 control chromosomes. The available data on variant occurrences in the general population are insufficient to allow any conclusion about variant significance. To our knowledge, no occurrence of c.191T>C in individuals affected with Epilepsy, Familial Focal, With Variable Foci 2 and no experimental evidence demonstrating its impact on protein function have been reported. No submitters have cited clinical-significance assessments for this variant to ClinVar. Based on the evidence outlined above, the variant was classified as uncertain significance.

GeneDx
Classification: Uncertain significance. Last evaluated: 2024-04-15. Review status: criteria provided, single submitter. Criteria: GeneDx Variant Classification Process June 2021. Collection method: clinical testing. Allele origin: germline. Affected: yes.
Comment: Not observed at significant frequency in large population cohorts (gnomAD); In silico analysis supports that this missense variant has a deleterious effect on protein structure/function; Has not been previously published as pathogenic or benign to our knowledge

Literature cited by the submitters: PubMed 27173016 (cited by Victorian Clinical Genetics Services, Murdoch Childrens Research Institute).